The following is an entry in ClinVar:

NM_032043.3(BRIP1):c.3488A>G (p.Asp1163Gly)

Gene: BRIP1 (BRCA1 interacting DNA helicase 1; minus strand). Cytogenetic location: 17q23.2.
Variant type: single nucleotide variant.
Coding change: c.3488A>G on transcript NM_032043.3 (MANE Select); coding-DNA position 3488, A replaced by G.
Protein change: p.Asp1163Gly; replaces aspartic acid 1163 with glycine.
Molecular consequence: missense variant.
Genome position (GRCh38, 1-based): chr17:61,683,558, T>C on the plus strand (A>G on the coding strand, the complement: BRIP1 is on the minus strand). VCF-style: chr17-61683558-T-C. GRCh37 (hg19) VCF-style: chr17-59760919-T-C.
Other names: short protein forms D1163G.
Identifiers: ClinVar variation 950378 (VCV000950378.11), dbSNP rs2061304985, ClinGen allele CA400478571.

ClinVar aggregate classification (germline): Conflicting classifications of pathogenicity. Review status: criteria provided, conflicting classifications (1 of 4 stars). 2 submissions from 2 submitters: Uncertain significance (1); Likely benign (1). Last evaluated 2026-07-06.

Conditions:
Familial cancer of breast. Also called: Hereditary breast cancer; BREAST CANCER, FAMILIAL; hereditary breast carcinoma. Identifiers: Orphanet 227535, MedGen C0346153, MONDO:0016419, OMIM 114480. Disease mechanism: loss of function.
Fanconi anemia complementation group J. Also called: BRIP1-Related Fanconi Anemia. Identifiers: Orphanet 84, MedGen C1836860, MONDO:0012187, OMIM 609054.
Hereditary cancer-predisposing syndrome. Also called: Neoplastic Syndromes, Hereditary; Hereditary Cancer Syndrome; Tumor predisposition; Hereditary neoplastic syndrome. Identifiers: Orphanet 140162, MedGen C0027672, MeSH D009386, MONDO:0015356.

Submissions (2):

Ambry Genetics
Classification: Likely benign for Hereditary cancer-predisposing syndrome. Last evaluated: 2026-07-06. Review status: criteria provided, single submitter. Criteria: Ambry Variant Classification Scheme 2023. Collection method: clinical testing. Allele origin: germline.

Labcorp Genetics (formerly Invitae), Labcorp
Classification: Uncertain significance for Familial cancer of breast; Fanconi anemia complementation group J. Last evaluated: 2023-01-08. Review status: criteria provided, single submitter. Criteria: Invitae Variant Classification Sherloc (09022015). Collection method: clinical testing. Allele origin: germline.
Comment: In summary, the available evidence is currently insufficient to determine the role of this variant in disease. Therefore, it has been classified as a Variant of Uncertain Significance. Algorithms developed to predict the effect of missense changes on protein structure and function (SIFT, PolyPhen-2, Align-GVGD) all suggest that this variant is likely to be tolerated. ClinVar contains an entry for this variant (Variation ID: 950378). This variant has not been reported in the literature in individuals affected with BRIP1-related conditions. This variant is not present in population databases (gnomAD no frequency). This sequence change replaces aspartic acid, which is acidic and polar, with glycine, which is neutral and non-polar, at codon 1163 of the BRIP1 protein (p.Asp1163Gly).